The following is an entry in ClinVar:

NM_152383.5(DIS3L2):c.1732A>C (p.Ser578Arg)

Gene: DIS3L2 (DIS3 like 3'-5' exoribonuclease 2; plus strand). Cytogenetic location: 2q37.1.
Variant type: single nucleotide variant.
Coding change: c.1732A>C on transcript NM_152383.5 (MANE Select); coding-DNA position 1732, A replaced by C.
Protein change: p.Ser578Arg; replaces serine 578 with arginine.
Molecular consequence: missense variant. On other transcripts: non-coding transcript variant (2), intron variant (1).
Genome position (GRCh38, 1-based): chr2:232,300,112, A>C. VCF-style: chr2-232300112-A-C. GRCh37 (hg19) VCF-style: chr2-233164822-A-C.
Other names: c.1581+36750A>C (NM_001257281.2); short protein forms S578R.
Identifiers: ClinVar variation 2729816 (VCV002729816.3), dbSNP rs2470146183, ClinGen allele CA350978738.
Genomic context (GRCh38, chr2:232,300,112, plus strand): 5'-TTCACTCTGGACCACGAGACCGGATTGCCTCAAGGATGTCATATCTATGAGTACCGCGAG[A>C]GCAACAAGTAAGCCACTCAGTGGGAAAGAGTGTCACTTCACATGTGTGCAGCAGTGGTGC-3'
Protein context (NP_689596.4, residues 568-588): QGCHIYEYRE[Ser578Arg]NKLVEEFMLL

ClinVar aggregate classification (germline): Uncertain significance (1 of 4 stars; one submission).

Conditions:
Perlman syndrome (PRLMNS). Identifiers: Orphanet 2849, MedGen C0796113, MONDO:0009965, OMIM 267000.

Submission:

Labcorp Genetics (formerly Invitae), Labcorp
Classification: Uncertain significance for Perlman syndrome. Last evaluated: 2023-06-27. Review status: criteria provided, single submitter. Criteria: Invitae Variant Classification Sherloc (09022015). Collection method: clinical testing. Allele origin: germline.
Comment: In summary, the available evidence is currently insufficient to determine the role of this variant in disease. Therefore, it has been classified as a Variant of Uncertain Significance. Advanced modeling of protein sequence and biophysical properties (such as structural, functional, and spatial information, amino acid conservation, physicochemical variation, residue mobility, and thermodynamic stability) performed at Invitae indicates that this missense variant is expected to disrupt DIS3L2 protein function. This variant has not been reported in the literature in individuals affected with DIS3L2-related conditions. This variant is not present in population databases (gnomAD no frequency). This sequence change replaces serine, which is neutral and polar, with arginine, which is basic and polar, at codon 578 of the DIS3L2 protein (p.Ser578Arg).